The following is an entry in ClinVar:

NM_004168.4(SDHA):c.10G>A (p.Val4Ile)

Gene: SDHA (succinate dehydrogenase complex flavoprotein subunit A; plus strand). Cytogenetic location: 5p15.33.
Variant type: single nucleotide variant.
Coding change: c.10G>A on transcript NM_004168.4 (MANE Select); coding-DNA position 10, G replaced by A.
Protein change: p.Val4Ile; replaces valine 4 with isoleucine.
Molecular consequence: missense variant.
Genome position (GRCh38, 1-based): chr5:218,365, G>A. VCF-style: chr5-218365-G-A. GRCh37 (hg19) VCF-style: chr5-218480-G-A.
Other names: c.10G>A, p.Val4Ile (NM_001294332.2, NM_001330758.2); short protein forms V4I.
Identifiers: ClinVar variation 968572 (VCV000968572.15), dbSNP rs778069799, ClinGen allele CA3172680.

ClinVar aggregate classification (germline): Conflicting classifications of pathogenicity. Review status: criteria provided, conflicting classifications (1 of 4 stars). 3 submissions from 3 submitters: Uncertain significance (2); Likely benign (1). Last evaluated 2026-02-05.

Conditions:
Mitochondrial complex II deficiency, nuclear type 1. Also called: SUCCINATE CoQ REDUCTASE DEFICIENCY. Identifiers: Orphanet 3208, MedGen C5700310, MONDO:0100294, OMIM 252011.
Pheochromocytoma/paraganglioma syndrome 5. Also called: Paragangliomas 5; SDHA-Related Hereditary Paraganglioma-Pheochromocytoma Syndrome. Identifiers: Orphanet 29072, MedGen C3279992, MONDO:0013602, OMIM 614165.
Dilated cardiomyopathy 1GG (CMD1GG). Identifiers: Orphanet 154, MedGen C3150898, MONDO:0013339, OMIM 613642.
Hereditary cancer-predisposing syndrome. Also called: Hereditary Cancer Syndrome; Neoplastic Syndromes, Hereditary; Tumor predisposition; Hereditary neoplastic syndrome. Identifiers: Orphanet 140162, MedGen C0027672, MeSH D009386, MONDO:0015356.

Allele frequency attached by ClinVar (database versions not stated): ExAC below 0.00001; TOPMed below 0.00001.
gnomAD v4.1: 1 of 1,459,644 alleles (0.000069%); highest among the groups gnomAD compares: Non-Finnish European, 0.00009%; no homozygotes.

Submissions (3):

Ambry Genetics
Classification: Likely benign for Hereditary cancer-predisposing syndrome. Last evaluated: 2026-02-05. Review status: criteria provided, single submitter. Criteria: Ambry Variant Classification Scheme 2023. Collection method: clinical testing. Allele origin: germline.

Labcorp Genetics (formerly Invitae), Labcorp
Classification: Uncertain significance for Pheochromocytoma/paraganglioma syndrome 5; Mitochondrial complex II deficiency, nuclear type 1. Last evaluated: 2024-11-06. Review status: criteria provided, single submitter. Criteria: Invitae Variant Classification Sherloc (09022015). Collection method: clinical testing. Allele origin: germline.
Comment: This sequence change replaces valine, which is neutral and non-polar, with isoleucine, which is neutral and non-polar, at codon 4 of the SDHA protein (p.Val4Ile). This variant is not present in population databases (gnomAD no frequency). This variant has not been reported in the literature in individuals affected with SDHA-related conditions. ClinVar contains an entry for this variant (Variation ID: 968572). Invitae Evidence Modeling of protein sequence and biophysical properties (such as structural, functional, and spatial information, amino acid conservation, physicochemical variation, residue mobility, and thermodynamic stability) indicates that this missense variant is not expected to disrupt SDHA protein function with a negative predictive value of 95%. In summary, the available evidence is currently insufficient to determine the role of this variant in disease. Therefore, it has been classified as a Variant of Uncertain Significance.

Baylor Genetics
Classification: Uncertain significance for Dilated cardiomyopathy 1GG. Last evaluated: 2023-08-23. Review status: criteria provided, single submitter. Criteria: ACMG Guidelines, 2015. Collection method: clinical testing. Allele origin: unknown.